The following is an entry in ClinVar:

ClinVar aggregate classification (germline): Uncertain significance (1 of 4 stars; one submission).

Conditions:
LRRC45-related disorder. Also called: LRRC45-related condition.

gnomAD v4.1: 3 of 1,594,842 alleles (0.00019%); highest among the groups gnomAD compares: Non-Finnish European, 0.00026%; no homozygotes.

Submission:

PreventionGenetics, part of Exact Sciences
Classification: Uncertain significance for LRRC45-related condition. Last evaluated: 2026-06-03. Review status: criteria provided, single submitter. Criteria: ACMG Guidelines, 2015. Collection method: clinical testing. Allele origin: germline.
Comment: The LRRC45 c.525G>C variant is predicted to result in the amino acid substitution p.Gln175His. To our knowledge, this variant has not been reported in the literature. This variant is reported in 0.00098% of alleles in individuals of European (Non-Finnish) descent in gnomAD. At this time, the clinical significance of this variant is uncertain due to the absence of conclusive functional and genetic evidence.

NM_144999.4(LRRC45):c.525G>C (p.Gln175His)

Gene: LRRC45 (leucine rich repeat containing 45; plus strand). Cytogenetic location: 17q25.3.
Variant type: single nucleotide variant.
Coding change: c.525G>C on transcript NM_144999.4 (MANE Select); coding-DNA position 525, G replaced by C.
Protein change: p.Gln175His; replaces glutamine 175 with histidine.
Molecular consequence: missense variant.
Genome position (GRCh38, 1-based): chr17:82,025,171, G>C. VCF-style: chr17-82025171-G-C. GRCh37 (hg19) VCF-style: chr17-79983047-G-C.
Other names: short protein forms Q175H.
Identifiers: ClinVar variation 4984099 (VCV004984099.1).